The following is an entry in ClinVar:

ClinVar aggregate classification (germline): Pathogenic/Likely pathogenic. Review status: criteria provided, multiple submitters, no conflicts (2 of 4 stars). 2 submissions from 2 submitters: Pathogenic (1); Likely pathogenic (1). Last evaluated 2024-01-08.

Conditions:
Autosomal recessive nonsyndromic hearing loss 3. Also called: NEUROSENSORY NONSYNDROMIC RECESSIVE DEAFNESS 3. Identifiers: Orphanet 90636, MedGen C1838263, MONDO:0010860, OMIM 600316.

Submissions (2):

Labcorp Genetics (formerly Invitae), Labcorp
Classification: Pathogenic. Last evaluated: 2024-01-08. Review status: criteria provided, single submitter. Criteria: Invitae Variant Classification Sherloc (09022015). Collection method: clinical testing. Allele origin: germline.
Comment: This sequence change creates a premature translational stop signal (p.Val1821Cysfs*5) in the MYO15A gene. It is expected to result in an absent or disrupted protein product. Loss-of-function variants in MYO15A are known to be pathogenic (PMID: 17546645). This variant is present in population databases (rs764867438, gnomAD 0.01%), including at least one homozygous and/or hemizygous individual. This variant has not been reported in the literature in individuals affected with MYO15A-related conditions. ClinVar contains an entry for this variant (Variation ID: 869472). Algorithms developed to predict the effect of sequence changes on RNA splicing suggest that this variant may disrupt the consensus splice site. For these reasons, this variant has been classified as Pathogenic.

Victorian Clinical Genetics Services, Murdoch Childrens Research Institute
Classification: Likely pathogenic for Autosomal recessive nonsyndromic hearing loss 3. Last evaluated: 2018-07-18. Review status: criteria provided, single submitter. Criteria: ACMG Guidelines, 2015. Collection method: clinical testing. Allele origin: unknown. Affected: yes.
Comment: A heterozygous frameshift deletion variant, NM_016239.3(MYO15A):c.5461delG, has been identified in exon 22 of 66 of the MYO15A gene. This deletion is predicted to create a frameshift starting at amino acid position 1821, introducing a stop codonfive residues downstream (NP_057323.3(MYO15A):p.(Val1821Cysfs*5)). This variant is predicted to result in loss of protein function through nonsense-mediated decay, which is a potential mechanism of pathogenicity for this gene. However, truncation of the protein as a result of a NMD-escape mechanism has not been excluded. The variant is present in the gnomAD database at a frequency of 0.001% (1 heterozygote, 1 homozygote). This variant has not been previously reported in clinical cases. However, multiple variants resulting in a premature stop-codon both up and downstream of this variant have been previously reported as pathogenic in individuals with autosomal recessive deafness (Fattahi, Z. et al. (2012), Rehman, A. U. et al. (2016), ClinVar, HGMD). Based on the information available at the time of curation, this variant has been classified as LIKELY PATHOGENIC.

Literature cited by the submitters: PubMed 17546645 (cited by Labcorp Genetics (formerly Invitae), Labcorp).

NM_016239.4(MYO15A):c.5461del (p.Val1821fs)

Gene: MYO15A (myosin XVA; plus strand). Cytogenetic location: 17p11.2.
Variant type: Deletion.
Coding change: c.5461del on transcript NM_016239.4 (MANE Select); coding-DNA position 5461, one base deleted (G; older notation c.5461delG).
Protein change: p.Val1821fs; shifts the reading frame from valine 1821.
Molecular consequence: frameshift variant.
Genome position (GRCh38, 1-based): chr17:18,141,073, G deleted; the last of 4 consecutive G bases (chr17:18,141,070-18,141,073); deleting any one gives the same sequence. VCF-style (leftmost placement, unchanged base first): chr17-18141069-AG-A. GRCh37 (hg19) VCF-style: chr17-18044383-AG-A.
Other names: short protein forms V1821fs.
Identifiers: ClinVar variation 869472 (VCV000869472.5), dbSNP rs764867438, ClinGen allele CA8424286.
Genomic context (GRCh38, chr17:18,141,069, plus strand): 5'-ATCCCTACAGGAGCCAGGTCTCTTTGAGCCAGATGTGGTAATGGCACAATTACGCTATTC[AG>A]GGGTGCTGGAGACCGTGAGGATCCGCAAGGAGGGATTTCCAGTGCGCCTGCCTTTCCAGG-3'